The following is an entry in ClinVar:

ClinVar aggregate classification (germline): Uncertain significance (1 of 4 stars; one submission).

Allele frequency attached by ClinVar (database versions not stated): gnomAD exomes below 0.00001; gnomAD 0.00001; TOPMed 0.00002.

Submission:

Labcorp Genetics (formerly Invitae), Labcorp
Classification: Uncertain significance. Last evaluated: 2022-03-28. Review status: criteria provided, single submitter. Criteria: Invitae Variant Classification Sherloc (09022015). Collection method: clinical testing. Allele origin: germline.
Comment: This sequence change replaces cysteine, which is neutral and slightly polar, with serine, which is neutral and polar, at codon 151 of the OR2W3 protein (p.Cys151Ser). This variant is not present in population databases (gnomAD no frequency). This variant has not been reported in the literature in individuals affected with OR2W3-related conditions. Algorithms developed to predict the effect of missense changes on protein structure and function are either unavailable or do not agree on the potential impact of this missense change (SIFT: "Deleterious"; PolyPhen-2: "Benign"; Align-GVGD: "Class C65"). In summary, the available evidence is currently insufficient to determine the role of this variant in disease. Therefore, it has been classified as a Variant of Uncertain Significance.

NM_001001957.2(OR2W3):c.452G>C (p.Cys151Ser)

Gene: OR2W3 (olfactory receptor family 2 subfamily W member 3; plus strand). Cytogenetic location: 1q44.
Variant type: single nucleotide variant.
Coding change: c.452G>C on transcript NM_001001957.2 (MANE Select); coding-DNA position 452, G replaced by C.
Protein change: p.Cys151Ser; replaces cysteine 151 with serine.
Molecular consequence: missense variant.
Genome position (GRCh38, 1-based): chr1:247,896,038, G>C. VCF-style: chr1-247896038-G-C. GRCh37 (hg19) VCF-style: chr1-248059340-G-C.
Other names: short protein forms C151S.
Identifiers: ClinVar variation 1958474 (VCV001958474.5), dbSNP rs1294943650, ClinGen allele CA345592542.